The following is an entry in ClinVar:

NM_002471.4(MYH6):c.4960-13_4960-12delinsCT

Genes: MYH6 (myosin heavy chain 6; minus strand), LOC126861896 (BRD4-independent group 4 enhancer GRCh37_chr14:23854904-23856103; plus strand). Cytogenetic location: 14q11.2.
Variant type: Indel.
Coding change: c.4960-13_4960-12delinsCT on transcript NM_002471.4 (MANE Select); 13 bases into the intron before coding-DNA position 4960 through 12 bases into the intron before coding-DNA position 4960, TC replaced by CT.
Molecular consequence: intron variant.
Genome position (GRCh38, 1-based): chr14:23,386,143-23,386,144, GA replaced by AG on the plus strand (TC replaced by CT on the coding strand, the reverse complement: MYH6 is on the minus strand). VCF-style: chr14-23386143-GA-AG. GRCh37 (hg19) VCF-style: chr14-23855352-GA-AG.
Identifiers: ClinVar variation 4765041 (VCV004765041.1).

ClinVar aggregate classification (germline): Uncertain significance (1 of 4 stars; one submission).

Conditions:
Hypertrophic cardiomyopathy 14. Identifiers: MedGen C2750467, MONDO:0013197, OMIM 613251.

Submission:

Labcorp Genetics (formerly Invitae), Labcorp
Classification: Uncertain significance for Hypertrophic cardiomyopathy 14. Last evaluated: 2025-05-07. Review status: criteria provided, single submitter. Criteria: Invitae Variant Classification Sherloc (09022015). Collection method: clinical testing. Allele origin: germline.
Comment: This sequence change falls in intron 33 of the MYH6 gene. It does not directly change the encoded amino acid sequence of the MYH6 protein. Information on the frequency of this variant in the gnomAD database is not available, as this variant may be reported differently in the database. This variant has not been reported in the literature in individuals affected with MYH6-related conditions. Experimental studies and prediction algorithms are not available or were not evaluated, and the effect of this variant on mRNA splicing is currently unknown. In summary, the available evidence is currently insufficient to determine the role of this variant in disease. Therefore, it has been classified as a Variant of Uncertain Significance.